The following is an entry in ClinVar:

NM_001130004.2(ACTN1):c.2482G>A (p.Val828Ile)

Gene: ACTN1 (actinin alpha 1; minus strand). Cytogenetic location: 14q24.1.
Variant type: single nucleotide variant.
Coding change: c.2482G>A on transcript NM_001130004.2 (MANE Select); coding-DNA position 2482, G replaced by A.
Protein change: p.Val828Ile; replaces valine 828 with isoleucine.
Molecular consequence: missense variant.
Genome position (GRCh38, 1-based): chr14:68,877,186, C>T on the plus strand (G>A on the coding strand, the complement: ACTN1 is on the minus strand). VCF-style: chr14-68877186-C-T. GRCh37 (hg19) VCF-style: chr14-69343903-C-T.
Other names: c.2416G>A, p.Val806Ile (NM_001102.4); c.2401G>A, p.Val801Ile (NM_001130005.2); c.2425G>A, p.Val809Ile (NM_001411035.1); c.2221G>A, p.Val741Ile (NM_001411036.1); short protein forms V741I, V801I, V806I, V809I, V828I.
Identifiers: ClinVar variation 2438851 (VCV002438851.5), dbSNP rs940159315, ClinGen allele CA262842715.
Genomic context (GRCh38, chr14:68,877,186, plus strand): 5'-CTGTATCTGTGTCGGCTGTCTCGCGGGACATGAAGTCAATGAAGGCCTGGAATGTCACTA[C>T]CCCCAGGCGGTTGGGGTCCACAATGCTCATGATGCGGGCAAATTCTGCTTCTCCCTGGAG-3'
Protein context (NP_001123476.1, residues 818-838): MSIVDPNRLG[Val828Ile]VTFQAFIDFM

ClinVar aggregate classification (germline): Uncertain significance. Review status: criteria provided, multiple submitters, no conflicts (2 of 4 stars). 2 submissions from 2 submitters: Uncertain significance (2). Last evaluated 2024-05-08.

Conditions:
Platelet-type bleeding disorder 15 (BDPLT15). Also called: MACROTHROMBOCYTOPENIA, AUTOSOMAL DOMINANT, ACTN1-RELATED. Identifiers: Orphanet 140957, MedGen C3554663, MONDO:0014078, OMIM 615193.

Allele frequency attached by ClinVar (database versions not stated): gnomAD 0.00001.
gnomAD v4.1: 8 of 1,614,050 alleles (0.0005%); highest among the groups gnomAD compares: South Asian, 0.0033%; no homozygotes.

Submissions (2):

Labcorp Genetics (formerly Invitae), Labcorp
Classification: Uncertain significance. Last evaluated: 2024-05-08. Review status: criteria provided, single submitter. Criteria: Invitae Variant Classification Sherloc (09022015). Collection method: clinical testing. Allele origin: germline.
Comment: This sequence change replaces valine, which is neutral and non-polar, with isoleucine, which is neutral and non-polar, at codon 828 of the ACTN1 protein (p.Val828Ile). This variant is not present in population databases (gnomAD no frequency). This variant has not been reported in the literature in individuals affected with ACTN1-related conditions. ClinVar contains an entry for this variant (Variation ID: 2438851). Advanced modeling of protein sequence and biophysical properties (such as structural, functional, and spatial information, amino acid conservation, physicochemical variation, residue mobility, and thermodynamic stability) performed at Invitae indicates that this missense variant is not expected to disrupt ACTN1 protein function with a negative predictive value of 80%. In summary, the available evidence is currently insufficient to determine the role of this variant in disease. Therefore, it has been classified as a Variant of Uncertain Significance.

Revvity Omics, Revvity
Classification: Uncertain significance for Platelet-type bleeding disorder 15. Last evaluated: 2021-12-30. Review status: criteria provided, single submitter. Criteria: ACMG Guidelines, 2015. Collection method: clinical testing. Allele origin: germline.